The following is an entry in ClinVar:

NM_007194.4(CHEK2):c.1491TCT[1] (p.Leu499del)

Gene: CHEK2 (checkpoint kinase 2; minus strand). Cytogenetic location: 22q12.1.
Variant type: Microsatellite.
Coding change: c.1491TCT[1] on transcript NM_007194.4 (MANE Select); one copy of the 3-base unit TCT starting at c.1491; the reference has two copies in a row; one copy, 3 bases deleted.
Protein change: p.Leu499del; deletes leucine 499.
Molecular consequence: inframe deletion. On other transcripts: inframe indel (4).
Genome position (GRCh38, 1-based): chr22:28,689,181-28,689,183, AGA deleted on the plus strand (TCT on the coding strand, the reverse complement: CHEK2 is on the minus strand); deleting any 3 consecutive bases within chr22:28,689,181-28,689,186 gives the same sequence; the position shown is the placement nearest the transcript's 3' end. VCF-style (leftmost placement, unchanged base first): chr22-28689180-CAGA-C. GRCh37 (hg19) VCF-style: chr22-29085168-CAGA-C.
Other names: c.1620_1622TCT[1], p.Leu542del (NM_001005735.3); c.828_830TCT[1], p.Leu278del (NM_001257387.3); c.1290_1292TCT[1], p.Leu432del (NM_001349956.3); c.1404_1406TCT[1], p.Leu470del (NM_145862.3); short protein forms L278del, L432del, L542del, L470del, L499del.
Identifiers: ClinVar variation 1359945 (VCV001359945.11), dbSNP rs1555912044, ClinGen allele CA638795612.

ClinVar aggregate classification (germline): Uncertain significance. Review status: criteria provided, multiple submitters, no conflicts (2 of 4 stars). 2 submissions from 2 submitters: Uncertain significance (2). Last evaluated 2025-03-26.

Conditions:
Hereditary cancer-predisposing syndrome. Also called: Tumor predisposition; Hereditary neoplastic syndrome; Neoplastic Syndromes, Hereditary; Hereditary Cancer Syndrome. Identifiers: Orphanet 140162, MedGen C0027672, MeSH D009386, MONDO:0015356.
Familial cancer of breast. Also called: Hereditary breast cancer; BREAST CANCER, FAMILIAL; hereditary breast carcinoma. Identifiers: Orphanet 227535, MedGen C0346153, MONDO:0016419, OMIM 114480. Disease mechanism: loss of function.

Submissions (2):

Labcorp Genetics (formerly Invitae), Labcorp
Classification: Uncertain significance for Familial cancer of breast. Last evaluated: 2025-03-26. Review status: criteria provided, single submitter. Criteria: Invitae Variant Classification Sherloc (09022015). Collection method: clinical testing. Allele origin: germline.
Comment: This variant, c.1494_1496del, results in the deletion of 1 amino acid(s) of the CHEK2 protein (p.Leu499del), but otherwise preserves the integrity of the reading frame. This variant is present in population databases (no rsID available, gnomAD 0.006%). This variant has not been reported in the literature in individuals affected with CHEK2-related conditions. Experimental studies and prediction algorithms are not available or were not evaluated, and the functional significance of this variant is currently unknown. In summary, the available evidence is currently insufficient to determine the role of this variant in disease. Therefore, it has been classified as a Variant of Uncertain Significance.

Ambry Genetics
Classification: Uncertain significance for Hereditary cancer-predisposing syndrome. Last evaluated: 2021-09-24. Review status: criteria provided, single submitter. Criteria: Ambry Variant Classification Scheme 2023. Collection method: clinical testing. Allele origin: germline.
Comment: The c.1494_1496delTCT variant (also known as p.L499del) is located in coding exon 13 of the CHEK2 gene. This variant results from an in-frame TCT deletion at nucleotide positions 1494 to 1496. This results in the in-frame deletion of a leucine at codon 499. This amino acid position is highly conserved in available vertebrate species. In addition, the in silico prediction for this alteration is inconclusive (Choi Y et al. PLoS ONE. 2012; 7(10):e46688). Since supporting evidence is limited at this time, the clinical significance of this alteration remains unclear.